The following is an entry in ClinVar:

NM_004371.4(COPA):c.718T>A (p.Trp240Arg)

Gene: COPA (coat protein complex I subunit alpha; minus strand). Cytogenetic location: 1q23.2.
Variant type: single nucleotide variant.
Coding change: c.718T>A on transcript NM_004371.4 (MANE Select); coding-DNA position 718, T replaced by A.
Protein change: p.Trp240Arg; replaces tryptophan 240 with arginine.
Molecular consequence: missense variant.
Genome position (GRCh38, 1-based): chr1:160,314,114, A>T on the plus strand (T>A on the coding strand, the complement: COPA is on the minus strand). VCF-style: chr1-160314114-A-T. GRCh37 (hg19) VCF-style: chr1-160283904-A-T.
Other names: c.718T>A, p.Trp240Arg (NM_001098398.2); short protein forms W240R.
Identifiers: ClinVar variation 933560 (VCV000933560.9), dbSNP rs1659063174, ClinGen allele CA343264543.
Genomic context (GRCh38, chr1:160,314,114, plus strand): 5'-GAGGGTGGAAGACGGCACAAGATACATTGTTGTAATGGCCCCGGCAGGTATCAACCTCCC[A>T]TGCCTTTGATTCTGAAGGACAAAAAGAATTAGGTCATCACAATTCCCTACTACTATAACT-3'
Protein context (NP_004362.2, residues 230-250): KIWRMNESKA[Trp240Arg]EVDTCRGHYN

ClinVar aggregate classification (germline): Uncertain significance (1 of 4 stars; one submission).

Conditions:
Autoimmune interstitial lung disease-arthritis syndrome. Also called: Autoinflammation and autoimmunity, systemic, with immune dysregulation. Identifiers: Orphanet 444092, MedGen C5975714, MONDO:0014629.

Submission:

Labcorp Genetics (formerly Invitae), Labcorp
Classification: Uncertain significance for Autoimmune interstitial lung disease-arthritis syndrome. Last evaluated: 2019-08-20. Review status: criteria provided, single submitter. Criteria: Invitae Variant Classification Sherloc (09022015). Collection method: clinical testing. Allele origin: germline.
Comment: This sequence change replaces tryptophan with arginine at codon 240 of the COPA protein (p.Trp240Arg). The tryptophan residue is highly conserved and there is a moderate physicochemical difference between tryptophan and arginine. This variant is not present in population databases (ExAC no frequency). This variant has not been reported in the literature in individuals with COPA-related conditions. Algorithms developed to predict the effect of missense changes on protein structure and function are either unavailable or do not agree on the potential impact of this missense change (SIFT: "Deleterious"; PolyPhen-2: "Possibly Damaging"; Align-GVGD: "Class C0"). In summary, the available evidence is currently insufficient to determine the role of this variant in disease. Therefore, it has been classified as a Variant of Uncertain Significance.